The following is an entry in ClinVar:

NM_000548.5(TSC2):c.3885C>T (p.Asp1295=)

Gene: TSC2 (TSC complex subunit 2; plus strand). Cytogenetic location: 16p13.3.
Variant type: single nucleotide variant.
Coding change: c.3885C>T on transcript NM_000548.5 (MANE Select); coding-DNA position 3885, C replaced by T.
Protein change: p.Asp1295=; no amino-acid change (aspartic acid 1295 retained).
Molecular consequence: synonymous variant.
Genome position (GRCh38, 1-based): chr16:2,083,696, C>T. VCF-style: chr16-2083696-C-T. GRCh37 (hg19) VCF-style: chr16-2133697-C-T.
Other names: c.3684C>T, p.Asp1228= (NM_001077183.3); c.3816C>T, p.Asp1272= (NM_001114382.3); c.3576C>T, p.Asp1192= (NM_001318827.2); c.3540C>T, p.Asp1180= (NM_001318829.2); c.3153C>T, p.Asp1051= (NM_001318831.2); c.3717C>T, p.Asp1239= (NM_001318832.2); c.3687C>T, p.Asp1229= (NM_001363528.2); c.3753C>T, p.Asp1251= (NM_001370404.1); and 1 more.
Identifiers: ClinVar variation 282972 (VCV000282972.20), dbSNP rs766771526, ClinGen allele CA049473.

ClinVar aggregate classification (germline): Conflicting classifications of pathogenicity. Review status: criteria provided, conflicting classifications (1 of 4 stars). 5 submissions from 5 submitters: Uncertain significance (1); Benign (1); Likely benign (3). Last evaluated 2025-06-02.

Conditions:
Hereditary cancer-predisposing syndrome. Also called: Hereditary neoplastic syndrome; Neoplastic Syndromes, Hereditary; Tumor predisposition; Hereditary Cancer Syndrome. Identifiers: Orphanet 140162, MedGen C0027672, MeSH D009386, MONDO:0015356.
Tuberous sclerosis 2 (TSC2). Identifiers: Orphanet 805, MedGen C1860707, MONDO:0013199, OMIM 613254.

Allele frequency attached by ClinVar (database versions not stated): gnomAD exomes 0.00002; ExAC 0.00003.
gnomAD v4.1: 7 of 1,581,048 alleles (0.00044%); highest among the groups gnomAD compares: South Asian, 0.0058%; 1 homozygote.

Submissions (5):

Myriad Genetics, Inc.
Classification: Benign for Tuberous sclerosis 2. Last evaluated: 2025-06-02. Review status: criteria provided, single submitter. Criteria: Myriad Autosomal Dominant, Autosomal Recessive and X-Linked Classification Criteria (2023). Collection method: clinical testing. Allele origin: unknown.
Comment: This variant is considered benign. This variant is a silent/synonymous amino acid change and it is not expected to impact splicing.

Labcorp Genetics (formerly Invitae), Labcorp
Classification: Likely benign for Tuberous sclerosis 2. Last evaluated: 2023-07-07. Review status: criteria provided, single submitter. Criteria: Invitae Variant Classification Sherloc (09022015). Collection method: clinical testing. Allele origin: germline.

Ambry Genetics
Classification: Likely benign for Hereditary cancer-predisposing syndrome. Last evaluated: 2022-10-03. Review status: criteria provided, single submitter. Criteria: Ambry Variant Classification Scheme 2023. Collection method: clinical testing. Allele origin: germline.

Genome-Nilou Lab
Classification: Likely benign for Tuberous sclerosis 2. Last evaluated: 2021-11-07. Review status: criteria provided, single submitter. Criteria: ACMG Guidelines, 2015. Collection method: clinical testing. Allele origin: germline. Affected: no.

Eurofins Ntd Llc (ga)
Classification: Uncertain significance. Last evaluated: 2015-09-09. Review status: criteria provided, single submitter. Criteria: EGL Classification Definitions 2015. Collection method: clinical testing. Allele origin: germline. Observed: 1 variant allele, 1 heterozygote.